The following is an entry in ClinVar:

ClinVar aggregate classification (germline): Uncertain significance (1 of 4 stars; one submission).

Conditions:
Fanconi anemia (FA). Also called: Fanconi's anemia. Identifiers: Orphanet 84, MedGen C0015625, MeSH D005199, MONDO:0019391.

Allele frequency attached by ClinVar (database versions not stated): TOPMed below 0.00001; gnomAD 0.00001.
gnomAD v4.1: 1 of 1,614,078 alleles (0.000062%); highest among the groups gnomAD compares: Admixed American, 0.0017%; no homozygotes.

Submission:

Labcorp Genetics (formerly Invitae), Labcorp
Classification: Uncertain significance for Fanconi anemia. Last evaluated: 2022-09-21. Review status: criteria provided, single submitter. Criteria: Invitae Variant Classification Sherloc (09022015). Collection method: clinical testing. Allele origin: germline.
Comment: This sequence change falls in intron 4 of the FANCA gene. It does not directly change the encoded amino acid sequence of the FANCA protein. It affects a nucleotide within the consensus splice site. This variant is not present in population databases (gnomAD no frequency). This variant has not been reported in the literature in individuals affected with FANCA-related conditions. Variants that disrupt the consensus splice site are a relatively common cause of aberrant splicing (PMID: 17576681, 9536098). Algorithms developed to predict the effect of sequence changes on RNA splicing suggest that this variant may disrupt the consensus splice site. In summary, the available evidence is currently insufficient to determine the role of this variant in disease. Therefore, it has been classified as a Variant of Uncertain Significance.

Literature cited by the submitters: PubMed 17576681; PubMed 9536098.

NM_000135.4(FANCA):c.426+4A>G

Gene: FANCA (FA complementation group A; minus strand). Cytogenetic location: 16q24.3.
Variant type: single nucleotide variant.
Coding change: c.426+4A>G on transcript NM_000135.4 (MANE Select); 4 bases into the intron after coding-DNA position 426, A replaced by G.
Molecular consequence: intron variant.
Genome position (GRCh38, 1-based): chr16:89,810,925, T>C on the plus strand (A>G on the coding strand, the complement: FANCA is on the minus strand). VCF-style: chr16-89810925-T-C. GRCh37 (hg19) VCF-style: chr16-89877333-T-C.
Other names: c.426+4A>G (NM_001286167.3, NM_001351830.2, NM_001018112.3).
Identifiers: ClinVar variation 2147046 (VCV002147046.1), dbSNP rs1452479825, ClinGen allele CA725775425.
Genomic context (GRCh38, chr16:89,810,925, plus strand): 5'-CTATTTTCCCAACCAGCTTAAAAGTAACAACGGGCAGGTTTCCTCATCTTTGCTGGTGTC[T>C]TACTCTCTGCTCCACAGTCAGCAGCACAGGGTGACTGGTCTCCGCTGGAGCCGTGCAGAT-3'